The following is an entry in ClinVar:

NM_000059.4(BRCA2):c.7525A>G (p.Ser2509Gly)

Gene: BRCA2 (BRCA2 DNA repair associated; plus strand). Cytogenetic location: 13q13.1.
Variant type: single nucleotide variant.
Coding change: c.7525A>G on transcript NM_000059.4 (MANE Select); coding-DNA position 7525, A replaced by G.
Protein change: p.Ser2509Gly; replaces serine 2509 with glycine.
Molecular consequence: missense variant.
Genome position (GRCh38, 1-based): chr13:32,356,517, A>G. VCF-style: chr13-32356517-A-G. GRCh37 (hg19) VCF-style: chr13-32930654-A-G.
Other names: short protein forms S2509G.
Identifiers: ClinVar variation 855105 (VCV000855105.13), dbSNP rs1555286268, ClinGen allele CA387743547.

ClinVar aggregate classification (germline): Conflicting classifications of pathogenicity. Review status: criteria provided, conflicting classifications (1 of 4 stars). 3 submissions from 3 submitters: Uncertain significance (2); Likely benign (1). Last evaluated 2025-04-25.

Conditions:
Hereditary breast ovarian cancer syndrome. Also called: Hereditary breast and ovarian cancer syndrome; BRCA1- and BRCA2-Associated Hereditary Breast and Ovarian Cancer; Hereditary breast and/or ovarian cancer syndrome; Hereditary breast and ovarian cancer; Hereditary breast and ovarian cancer syndrome (HBOC); Breast and ovarian cancer. Identifiers: Orphanet 145, MedGen C0677776, MeSH D061325, MONDO:0003582. Disease mechanism: loss of function.
Hereditary cancer-predisposing syndrome. Also called: Neoplastic Syndromes, Hereditary; Hereditary Cancer Syndrome; Tumor predisposition; Hereditary neoplastic syndrome. Identifiers: Orphanet 140162, MedGen C0027672, MeSH D009386, MONDO:0015356.

Submissions (3):

Ambry Genetics
Classification: Likely benign for Hereditary cancer-predisposing syndrome. Last evaluated: 2025-04-25. Review status: criteria provided, single submitter. Criteria: Ambry Variant Classification Scheme 2023. Collection method: clinical testing. Allele origin: germline.

GeneDx
Classification: Uncertain significance. Last evaluated: 2022-11-15. Review status: criteria provided, single submitter. Criteria: GeneDx Variant Classification Process June 2021. Collection method: clinical testing. Allele origin: germline. Affected: yes.
Comment: Not observed at significant frequency in large population cohorts (gnomAD); In silico analysis supports that this missense variant does not alter protein structure/function; Has not been previously published as pathogenic or benign to our knowledge; Also known as 7753A>G; This variant is associated with the following publications: (PMID: 31911673, 12228710)

Labcorp Genetics (formerly Invitae), Labcorp
Classification: Uncertain significance for Hereditary breast ovarian cancer syndrome. Last evaluated: 2019-04-24. Review status: criteria provided, single submitter. Criteria: Invitae Variant Classification Sherloc (09022015). Collection method: clinical testing. Allele origin: germline.
Comment: This variant has not been reported in the literature in individuals with BRCA2-related conditions. This sequence change replaces serine with glycine at codon 2509 of the BRCA2 protein (p.Ser2509Gly). The serine residue is highly conserved and there is a small physicochemical difference between serine and glycine. This variant is not present in population databases (ExAC no frequency). Algorithms developed to predict the effect of missense changes on protein structure and function (SIFT, PolyPhen-2, Align-GVGD) all suggest that this variant is likely to be disruptive, but these predictions have not been confirmed by published functional studies and their clinical significance is uncertain. In summary, the available evidence is currently insufficient to determine the role of this variant in disease. Therefore, it has been classified as a Variant of Uncertain Significance.